The following is an entry in ClinVar:

ClinVar aggregate classification (germline): Pathogenic (1 of 4 stars; one submission).

Submission:

Labcorp Genetics (formerly Invitae), Labcorp
Classification: Pathogenic. Last evaluated: 2022-03-02. Review status: criteria provided, single submitter. Criteria: Invitae Variant Classification Sherloc (09022015). Collection method: clinical testing. Allele origin: germline.
Comment: For these reasons, this variant has been classified as Pathogenic. This variant has not been reported in the literature in individuals affected with HNF1B-related conditions. This variant is not present in population databases (gnomAD no frequency). This sequence change creates a premature translational stop signal (p.Ser379Profs*22) in the HNF1B gene. It is expected to result in an absent or disrupted protein product. Loss-of-function variants in HNF1B are known to be pathogenic (PMID: 9398836, 12148114, 15068978, 20378641).

Literature cited by the submitters: PubMed 9398836; PubMed 12148114; PubMed 15068978; PubMed 20378641.

NM_000458.4(HNF1B):c.1131_1134dup (p.Ser379fs)

Gene: HNF1B (HNF1 homeobox B; minus strand). Cytogenetic location: 17q12.
Variant type: Microsatellite.
Coding change: c.1131_1134dup on transcript NM_000458.4 (MANE Select); coding-DNA positions 1131 to 1134, 4 bases duplicated (CCAG; older notation c.1131_1134dupCCAG).
Protein change: p.Ser379fs; shifts the reading frame from serine 379.
Molecular consequence: frameshift variant.
Genome position (GRCh38, 1-based): chr17:37,710,575-37,710,578, CTGG duplicated on the plus strand (CCAG on the coding strand, the reverse complement: HNF1B is on the minus strand); duplicating any 4 consecutive bases within chr17:37,710,575-37,710,582 gives the same sequence; the c. name uses the placement nearest the transcript's 3' end. VCF-style (leftmost placement, unchanged base first): chr17-37710574-A-ACTGG. GRCh37 (hg19) VCF-style: chr17-36070582-A-ACTGG.
Other names: c.1053_1056dup, p.Ser353fs (NM_001165923.4, NM_001304286.2); c.1127_1130CCAG[3], p.Ser379Profs (NM_001411100.1); short protein forms S353fs, S379fs.
Identifiers: ClinVar variation 2105603 (VCV002105603.4), dbSNP rs2511723663, ClinGen allele CA2580613119.
Genomic context (GRCh38, chr17:37,710,574, plus strand): 5'-CAGGTGAGAGGAGATTGTGGCCTGGGTCCAGGCTGGCTGGGGAGACTTGCTGTAAAACCG[A>ACTGG]CTGGCTGGTCACCATGGCGCTGTTGCCATGGTGACTGATTGTTGAGGAGGAAGTGATCTC-3'